The following is an entry in ClinVar:

ClinVar aggregate classification (germline): Benign (1 of 4 stars; one submission).

Conditions:
Hereditary pheochromocytoma and paraganglioma. Also called: Hereditary Paraganglioma-Pheochromocytoma Syndromes; Hereditary paragangliomas and pheochromocytomas; Hereditary pheochromocytoma-paraganglioma. Identifiers: Orphanet 29072, MedGen C4274332, MONDO:0017366.

Allele frequency attached by ClinVar (database versions not stated): gnomAD exomes 0.00209; gnomAD 0.01271 and 0.01333; TOPMed 0.01488; 1000 Genomes Project 0.01817; 1000 Genomes Project 30x 0.02014.
gnomAD v4.1: 2,525 of 425,224 alleles (0.59%); highest among the groups gnomAD compares: African/African-American, 4.2%; 53 homozygotes.

Submission:

Illumina Laboratory Services, Illumina
Classification: Benign for Hereditary Paraganglioma-Pheochromocytoma Syndromes. Last evaluated: 2018-01-13. Review status: criteria provided, single submitter. Criteria: ICSL Variant Classification Criteria 13 December 2019. Collection method: clinical testing. Allele origin: germline.
Comment: This variant was observed in the ICSL laboratory as part of a predisposition screen in an ostensibly healthy population. It had not been previously curated by ICSL or reported in the Human Gene Mutation Database (HGMD: prior to June 1st, 2018), and was therefore a candidate for classification through an automated scoring system. Utilizing variant allele frequency, disease prevalence and penetrance estimates, and inheritance mode, an automated score was calculated to assess if this variant is too frequent to cause the disease. Based on the score and internal cut-off values, a variant classified as benign is not then subjected to further curation. The score for this variant resulted in a classification of benign for this disease.

NM_003001.5(SDHC):c.*469G>A

Gene: SDHC (succinate dehydrogenase complex subunit C; plus strand). Cytogenetic location: 1q23.3.
Variant type: single nucleotide variant.
Coding change: c.*469G>A on transcript NM_003001.5 (MANE Select); 469 bases downstream of the stop codon, G replaced by A.
Molecular consequence: 3 prime UTR variant.
Genome position (GRCh38, 1-based): chr1:161,362,902, G>A. VCF-style: chr1-161362902-G-A. GRCh37 (hg19) VCF-style: chr1-161332692-G-A.
Other names: c.*362G>A (NM_001035511.3, NM_001278172.3, NM_001407121.1); c.*469G>A (NM_001035512.3, NM_001035513.3, NM_001407115.1 and 5 more transcripts).
Identifiers: ClinVar variation 293328 (VCV000293328.6), dbSNP rs148834287, ClinGen allele CA10608031.